The following is an entry in ClinVar:

NC_000017.11:g.(?_43082384)_(43082595_?)del

Gene: BRCA1 (BRCA1 DNA repair associated; minus strand). Cytogenetic location: 17q21.31.
Variant type: Deletion.
Identifiers: ClinVar variation 583795 (VCV000583795.2).

ClinVar aggregate classification (germline): Pathogenic (1 of 4 stars; one submission).

Conditions:
Hereditary breast ovarian cancer syndrome. Also called: Hereditary breast and ovarian cancer syndrome; Hereditary breast and/or ovarian cancer syndrome; Hereditary breast and ovarian cancer syndrome (HBOC); Breast and ovarian cancer; BRCA1- and BRCA2-Associated Hereditary Breast and Ovarian Cancer; Hereditary breast and ovarian cancer. Identifiers: Orphanet 145, MedGen C0677776, MeSH D061325, MONDO:0003582. Disease mechanism: loss of function.

Submission:

Labcorp Genetics (formerly Invitae), Labcorp
Classification: Pathogenic for Hereditary breast and ovarian cancer syndrome. Last evaluated: 2018-09-24. Review status: criteria provided, single submitter. Criteria: Invitae Variant Classification Sherloc (09022015). Collection method: clinical testing. Allele origin: germline.
Comment: This variant is an out-of-frame deletion of the genomic region encompassing exon 12 of the BRCA1 gene. This is expected to create a premature translational stop signal and result in an absent or disrupted protein product. A deletion of exon 12 has been reported in individuals with a personal and/or family history of breast and/or ovarian cancer (PMID:Â¬â€ 9354803,Â¬â€ 11463009,Â¬â€ 15846789, 18431737, 24285858) and has been described as a Dutch founder mutation (PMID:Â¬â€ 9354803,Â¬â€ 18431737, 24285858). This deletion is also known in the literatureÂ¬â€ as IVS12-1643del3835, c.4186-1632_4357+2031del3835 and a deletion affecting exon 13 using alternate exon numbering. ClinVar contains an entry for this variant (Variation ID: 267526). Loss-of-function variants in BRCA1 are known to be pathogenic (PMID: 20104584). For these reasons, this variant has been classified as Pathogenic.